The following is an entry in ClinVar:

ClinVar aggregate classification (germline): Likely benign. Review status: criteria provided, multiple submitters, no conflicts (2 of 4 stars). 4 submissions from 4 submitters: Likely benign (4). Last evaluated 2025-08-29.

Conditions:
Cyclical neutropenia. Also called: Cyclic hematopoiesis; Cyclic Neutropenia. Identifiers: Orphanet 2686, MedGen C0221023, MONDO:0008090, OMIM 162800, HP:0040289. Disease mechanism: loss of function.
Neutropenia, severe congenital, 1, autosomal dominant. Identifiers: MedGen C1859966, MONDO:0042490, OMIM 202700.
Inborn genetic diseases. Identifiers: MedGen C0950123, MeSH D030342.

Allele frequency attached by ClinVar (database versions not stated): gnomAD 0.00001; TOPMed 0.00004.
gnomAD v4.1: 36 of 1,613,362 alleles (0.0022%); highest among the groups gnomAD compares: South Asian, 0.0099%; no homozygotes.

Submissions (4):

Labcorp Genetics (formerly Invitae), Labcorp
Classification: Likely benign for Neutropenia, severe congenital, 1, autosomal dominant; Cyclical neutropenia. Last evaluated: 2025-08-29. Review status: criteria provided, single submitter. Criteria: Invitae Variant Classification Sherloc (09022015). Collection method: clinical testing. Allele origin: germline.

Blueprint Genetics
Classification: Likely benign. Last evaluated: 2024-11-05. Review status: criteria provided, single submitter. Criteria: ACMG Guidelines, 2015. Collection method: clinical testing. Allele origin: germline.

Ambry Genetics
Classification: Likely benign for Inborn genetic diseases. Last evaluated: 2024-10-15. Review status: criteria provided, single submitter. Criteria: Ambry Variant Classification Scheme 2023. Collection method: clinical testing. Allele origin: germline.

GeneDx
Classification: Likely benign. Last evaluated: 2018-04-20. Review status: criteria provided, single submitter. Criteria: GeneDx Variant Classification (06012015). Collection method: clinical testing. Allele origin: germline. Affected: yes.
Comment: This variant is considered likely benign or benign based on one or more of the following criteria: it is a conservative change, it occurs at a poorly conserved position in the protein, it is predicted to be benign by multiple in silico algorithms, and/or has population frequency not consistent with disease.

NM_001972.4(ELANE):c.702G>A (p.Pro234=)

Gene: ELANE (elastase, neutrophil expressed; plus strand). Cytogenetic location: 19p13.3.
Variant type: single nucleotide variant.
Coding change: c.702G>A on transcript NM_001972.4 (MANE Select); coding-DNA position 702, G replaced by A.
Protein change: p.Pro234=; no amino-acid change (proline 234 retained).
Molecular consequence: synonymous variant.
Genome position (GRCh38, 1-based): chr19:856,062, G>A. VCF-style: chr19-856062-G-A. GRCh37 (hg19) VCF-style: chr19-856062-G-A.
Identifiers: ClinVar variation 668759 (VCV000668759.14), dbSNP rs202059602, ClinGen allele CA9026147.